The following is an entry in ClinVar:

NM_002734.5(PRKAR1A):c.352A>G (p.Ile118Val)

Gene: PRKAR1A (protein kinase cAMP-dependent type I regulatory subunit alpha; plus strand). Cytogenetic location: 17q24.2.
Variant type: single nucleotide variant.
Coding change: c.352A>G on transcript NM_002734.5 (MANE Select); coding-DNA position 352, A replaced by G.
Protein change: p.Ile118Val; replaces isoleucine 118 with valine.
Molecular consequence: missense variant.
Genome position (GRCh38, 1-based): chr17:68,523,728, A>G. VCF-style: chr17-68523728-A-G. GRCh37 (hg19) VCF-style: chr17-66519869-A-G.
Other names: c.352A>G, p.Ile118Val (NM_001276289.2, NM_001276290.1, NM_001278433.2 and 4 more transcripts); c.352A>G (NM_002734.3); short protein forms I118V.
Identifiers: ClinVar variation 2196684 (VCV002196684.6), dbSNP rs2509404710, ClinGen allele CA400752545.

ClinVar aggregate classification (germline): Uncertain significance. Review status: criteria provided, multiple submitters, no conflicts (2 of 4 stars). 2 submissions from 2 submitters: Uncertain significance (2). Last evaluated 2025-03-25.

Conditions:
Hereditary cancer-predisposing syndrome. Also called: Hereditary neoplastic syndrome; Neoplastic Syndromes, Hereditary; Hereditary Cancer Syndrome; Tumor predisposition. Identifiers: Orphanet 140162, MedGen C0027672, MeSH D009386, MONDO:0015356.
Carney complex, type 1 (CNC1). Also called: CARNEY MYXOMA-ENDOCRINE COMPLEX; CARNEY COMPLEX, TYPE I. Identifiers: Orphanet 1359, MedGen C2607929, MONDO:0008057, OMIM 160980.

Allele frequency attached by ClinVar (database versions not stated): gnomAD exomes below 0.00001.
gnomAD v4.1: 2 of 1,612,214 alleles (0.00012%); highest among the groups gnomAD compares: Non-Finnish European, 0.000085%; no homozygotes.

Submissions (2):

Ambry Genetics
Classification: Uncertain significance for Hereditary cancer-predisposing syndrome. Last evaluated: 2025-03-25. Review status: criteria provided, single submitter. Criteria: Ambry Variant Classification Scheme 2023. Collection method: clinical testing. Allele origin: germline.
Comment: The p.I118V variant (also known as c.352A>G), located in coding exon 3 of the PRKAR1A gene, results from an A to G substitution at nucleotide position 352. The isoleucine at codon 118 is replaced by valine, an amino acid with highly similar properties. This amino acid position is highly conserved in available vertebrate species. In addition, the in silico prediction for this alteration is inconclusive. Based on the available evidence, the clinical significance of this variant remains unclear.

Labcorp Genetics (formerly Invitae), Labcorp
Classification: Uncertain significance for Carney complex, type 1. Last evaluated: 2025-02-07. Review status: criteria provided, single submitter. Criteria: Invitae Variant Classification Sherloc (09022015). Collection method: clinical testing. Allele origin: germline.
Comment: This sequence change replaces isoleucine, which is neutral and non-polar, with valine, which is neutral and non-polar, at codon 118 of the PRKAR1A protein (p.Ile118Val). This variant is not present in population databases (gnomAD no frequency). This variant has not been reported in the literature in individuals affected with PRKAR1A-related conditions. ClinVar contains an entry for this variant (Variation ID: 2196684). Invitae Evidence Modeling of protein sequence and biophysical properties (such as structural, functional, and spatial information, amino acid conservation, physicochemical variation, residue mobility, and thermodynamic stability) indicates that this missense variant is not expected to disrupt PRKAR1A protein function with a negative predictive value of 95%. In summary, the available evidence is currently insufficient to determine the role of this variant in disease. Therefore, it has been classified as a Variant of Uncertain Significance.